The following is an entry in ClinVar:

NM_000143.4(FH):c.278_284delinsA (p.Ile93_Ala95delinsAsn)

Gene: FH (fumarate hydratase; minus strand). Cytogenetic location: 1q43.
Variant type: Indel.
Coding change: c.278_284delinsA on transcript NM_000143.4 (MANE Select); coding-DNA positions 278 to 284, TTAAAGC replaced by A.
Protein change: p.Ile93_Ala95delinsAsn.
Molecular consequence: inframe indel.
Genome position (GRCh38, 1-based): chr1:241,513,697-241,513,703, GCTTTAA replaced by T on the plus strand (TTAAAGC replaced by A on the coding strand, the reverse complement: FH is on the minus strand). VCF-style: chr1-241513697-GCTTTAA-T. GRCh37 (hg19) VCF-style: chr1-241676997-GCTTTAA-T.
Other names: c.278_284delTTAAAGCinsA, p.Ile93_Ala95delinsAsn (NM_000143.3).
Identifiers: ClinVar variation 3600959 (VCV003600959.1).

ClinVar aggregate classification (germline): Uncertain significance (1 of 4 stars; one submission).

Submission:

GeneDx
Classification: Uncertain significance. Last evaluated: 2024-07-26. Review status: criteria provided, single submitter. Criteria: GeneDx Variant Classification Process June 2021. Collection method: clinical testing. Allele origin: germline. Affected: yes.
Comment: In-frame deletion of 3 amino acids and insertion of 1 amino acid in a non-repeat region; Not observed at significant frequency in large population cohorts (gnomAD); In silico analysis supports a deleterious effect on protein structure/function; Has not been previously published as pathogenic or benign to our knowledge